The following is an entry in ClinVar:

NM_001367624.2(ZNF469):c.11439C>G (p.Ser3813Arg)

Gene: ZNF469 (zinc finger protein 469; plus strand). Cytogenetic location: 16q24.2.
Variant type: single nucleotide variant.
Coding change: c.11439C>G on transcript NM_001367624.2 (MANE Select); coding-DNA position 11439, C replaced by G.
Protein change: p.Ser3813Arg; replaces serine 3813 with arginine.
Molecular consequence: missense variant.
Genome position (GRCh38, 1-based): chr16:88,438,909, C>G. VCF-style: chr16-88438909-C-G. GRCh37 (hg19) VCF-style: chr16-88505317-C-G.
Other names: NM_001127464.1:c.11355C>G; short protein forms S3813R.
Identifiers: ClinVar variation 1729472 (VCV001729472.2), dbSNP rs556316560, ClinGen allele CA8225612.
Genomic context (GRCh38, chr16:88,438,909, plus strand): 5'-AAGGGAAGCTGGTGAGCAGGGGCCCCACGGGAGCCTAGGTCCCAAGGAGAAGGGAGAGAG[C>G]AGTACGAAGAGGAAAAAGGGCCAGGTCCCAGGGCCAGCCAGGAGTGAAAGTGTGGGGAGC-3'
Protein context (NP_001354553.1, residues 3803-3823): GSLGPKEKGE[Ser3813Arg]STKRKKGQVP

ClinVar aggregate classification (germline): Uncertain significance (1 of 4 stars; one submission).

Conditions:
Cardiovascular phenotype. Identifiers: MedGen CN230736.

Allele frequency attached by ClinVar (database versions not stated): ExAC 0.00005; 1000 Genomes Project 30x 0.00016; 1000 Genomes Project 0.00020.
gnomAD v4.1: 17 of 1,550,526 alleles (0.0011%); highest among the groups gnomAD compares: African/African-American, 0.021%; no homozygotes.

Submission:

Ambry Genetics
Classification: Uncertain significance for Cardiovascular phenotype. Last evaluated: 2022-10-07. Review status: criteria provided, single submitter. Criteria: Ambry Variant Classification Scheme 2023. Collection method: clinical testing. Allele origin: germline.
Comment: The p.S3785R variant (also known as c.11355C>G), located in coding exon 2 of the ZNF469 gene, results from a C to G substitution at nucleotide position 11355. The serine at codon 3785 is replaced by arginine, an amino acid with dissimilar properties. This amino acid position is conserved. In addition, this alteration is predicted to be tolerated by in silico analysis. Since supporting evidence is limited at this time, the clinical significance of this alteration remains unclear.